The following is an entry in ClinVar:

ClinVar aggregate classification (germline): Uncertain significance (1 of 4 stars; one submission).

Submission:

Labcorp Genetics (formerly Invitae), Labcorp
Classification: Uncertain significance. Last evaluated: 2022-09-27. Review status: criteria provided, single submitter. Criteria: Invitae Variant Classification Sherloc (09022015). Collection method: clinical testing. Allele origin: germline.
Comment: In summary, the available evidence is currently insufficient to determine the role of this variant in disease. Therefore, it has been classified as a Variant of Uncertain Significance. Advanced modeling of protein sequence and biophysical properties (such as structural, functional, and spatial information, amino acid conservation, physicochemical variation, residue mobility, and thermodynamic stability) performed at Invitae indicates that this missense variant is expected to disrupt PIEZO1 protein function. This sequence change replaces tryptophan, which is neutral and slightly polar, with leucine, which is neutral and non-polar, at codon 2136 of the PIEZO1 protein (p.Trp2136Leu). This variant is not present in population databases (gnomAD no frequency). This variant has not been reported in the literature in individuals affected with PIEZO1-related conditions.

NM_001142864.4(PIEZO1):c.6407G>T (p.Trp2136Leu)

Gene: PIEZO1 (piezo type mechanosensitive ion channel component 1 (Er blood group); minus strand). Cytogenetic location: 16q24.3.
Variant type: single nucleotide variant.
Coding change: c.6407G>T on transcript NM_001142864.4 (MANE Select); coding-DNA position 6407, G replaced by T.
Protein change: p.Trp2136Leu; replaces tryptophan 2136 with leucine.
Molecular consequence: missense variant.
Genome position (GRCh38, 1-based): chr16:88,719,638, C>A on the plus strand (G>T on the coding strand, the complement: PIEZO1 is on the minus strand). VCF-style: chr16-88719638-C-A. GRCh37 (hg19) VCF-style: chr16-88786046-C-A.
Other names: c.4949G>T, p.Trp1650Leu (NM_014745.1); short protein forms W1650L, W2136L.
Identifiers: ClinVar variation 1720464 (VCV001720464.5), dbSNP rs2507840531, ClinGen allele CA397083018.